The following is an entry in ClinVar:

ClinVar aggregate classification (germline): Uncertain significance (1 of 4 stars; one submission).

Submission:

GeneDx
Classification: Uncertain significance. Last evaluated: 2021-05-25. Review status: criteria provided, single submitter. Criteria: GeneDx Variant Classification Process June 2021. Collection method: clinical testing. Allele origin: germline. Affected: yes.
Comment: Has not been previously published as pathogenic or benign to our knowledge; Not observed at significant frequency in large population cohorts (Lek et al., 2016); In-silico analysis, which includes splice predictors and evolutionary conservation, is inconclusive as to whether the variant alters gene splicing. In the absence of RNA/functional studies, the actual effect of this sequence change is unknown.

NM_001851.6(COL9A1):c.976-3T>G

Gene: COL9A1 (collagen type IX alpha 1 chain; minus strand). Cytogenetic location: 6q13.
Variant type: single nucleotide variant.
Coding change: c.976-3T>G on transcript NM_001851.6 (MANE Select); 3 bases into the intron before coding-DNA position 976, T replaced by G.
Molecular consequence: intron variant.
Genome position (GRCh38, 1-based): chr6:70,274,775, A>C on the plus strand (T>G on the coding strand, the complement: COL9A1 is on the minus strand). VCF-style: chr6-70274775-A-C. GRCh37 (hg19) VCF-style: chr6-70984478-A-C.
Other names: c.247-3T>G (NM_001377290.1, NM_078485.4, NM_001377289.1).
Identifiers: ClinVar variation 1326735 (VCV001326735.2), dbSNP rs2127592930, ClinGen allele CA2573052727.